The following is an entry in ClinVar:

ClinVar aggregate classification (germline): Uncertain significance (1 of 4 stars; one submission).

Submission:

ARUP Laboratories, Molecular Genetics and Genomics, ARUP Laboratories
Classification: Uncertain significance. Last evaluated: 2018-05-18. Review status: criteria provided, single submitter. Criteria: ARUP Molecular Germline Variant Investigation Process. Collection method: clinical testing. Allele origin: germline.
Comment: The PKD1 c.2783_2785delCGG; p.Ala928del variant, to our knowledge, is not reported in the medical literature or gene specific databases. This variant is also absent from the general population databases (1000 Genomes Project, Exome Variant Server, and Genome Aggregation Database) indicating it is not a common polymorphism. This variant deletes a single alanine residue leaving the rest of the protein in-frame. Several other in-frame single amino acid deletions have been reported and are considered to be highly likely pathogenic (see Mayo ADPKD mutation database). However, given the lack of clinical and functional data, the significance of the p.Ala928del variant is uncertain at this time. REFERENCES Mayo ADPKD mutation database

NM_001009944.3(PKD1):c.2780CGG[1] (p.Ala928del)

Gene: PKD1 (polycystin 1, transient receptor potential channel interacting; minus strand). Cytogenetic location: 16p13.3.
Variant type: Microsatellite.
Coding change: c.2780CGG[1] on transcript NM_001009944.3 (MANE Select); one copy of the 3-base unit CGG starting at c.2780; the reference has two copies in a row; one copy, 3 bases deleted.
Protein change: p.Ala928del; deletes alanine 928.
Molecular consequence: inframe deletion.
Genome position (GRCh38, 1-based): chr16:2,114,238-2,114,240, CCG deleted on the plus strand (CGG on the coding strand, the reverse complement: PKD1 is on the minus strand); deleting any 3 consecutive bases within chr16:2,114,238-2,114,243 gives the same sequence; the position shown is the placement nearest the transcript's 3' end. VCF-style (leftmost placement, unchanged base first): chr16-2114237-TCCG-T. GRCh37 (hg19) VCF-style: chr16-2164238-TCCG-T.
Other names: c.2780CGG[1], p.Ala928del (NM_000296.4); short protein forms A928del.
Identifiers: ClinVar variation 618314 (VCV000618314.8), dbSNP rs1596574952, ClinGen allele CA913191182.
Genomic context (GRCh38, chr16:2,114,237, plus strand): 5'-ACTCCCTGCAGTACACGGGCCTCGGGGCTGGGCGTGGCGCGGAGGCCACAGATGGGCTCC[TCCG>T]CCGTCACCCGCAGGCTGAGGTTGGCCCGGCTGGCGCTGTTTTCCACCACCACGTCCACCA-3'